The following is an entry in ClinVar:

NM_201384.3(PLEC):c.3727G>T (p.Ala1243Ser)

Gene: PLEC (plectin; minus strand). Cytogenetic location: 8q24.3.
Variant type: single nucleotide variant.
Coding change: c.3727G>T on transcript NM_201384.3 (MANE Select); coding-DNA position 3727, G replaced by T.
Protein change: p.Ala1243Ser; replaces alanine 1243 with serine.
Molecular consequence: missense variant.
Genome position (GRCh38, 1-based): chr8:143,927,439, C>A on the plus strand (G>T on the coding strand, the complement: PLEC is on the minus strand). VCF-style: chr8-143927439-C-A. GRCh37 (hg19) VCF-style: chr8-145001607-C-A.
Other names: c.3808G>T, p.Ala1270Ser (NM_000445.5, NM_001410941.1); c.3685G>T, p.Ala1229Ser (NM_201378.4); c.3661G>T, p.Ala1221Ser (NM_201379.3); c.4138G>T, p.Ala1380Ser (NM_201380.4); c.3631G>T, p.Ala1211Ser (NM_201381.3); c.3727G>T, p.Ala1243Ser (NM_201382.4); c.3739G>T, p.Ala1247Ser (NM_201383.3); short protein forms A1211S, A1380S, A1229S, A1243S, A1221S, A1247S, A1270S.
Identifiers: ClinVar variation 4788464 (VCV004788464.1).

ClinVar aggregate classification (germline): Uncertain significance (1 of 4 stars; one submission).

Conditions:
Epidermolysis bullosa simplex with nail dystrophy (EBS5D). Identifiers: MedGen C4225309, MONDO:0014661, OMIM 616487.
Epidermolysis bullosa simplex, Ogna type (EBS5A). Also called: EPIDERMOLYSIS BULLOSA SIMPLEX 5A, OGNA TYPE; Pidermolysis bullosa simplex 5A, Ogna type. Identifiers: Orphanet 79401, MedGen C0432317, MONDO:0007555, OMIM 131950.
Autosomal recessive limb-girdle muscular dystrophy type 2Q (LGMDR17). Also called: MUSCULAR DYSTROPHY, LIMB-GIRDLE, AUTOSOMAL RECESSIVE 17. Identifiers: Orphanet 254361, MedGen C3150989, MONDO:0013390, OMIM 613723.
Epidermolysis bullosa simplex 5B, with muscular dystrophy (EBS5B). Also called: EPIDERMOLYSIS BULLOSA SIMPLEX AND LIMB-GIRDLE MUSCULAR DYSTROPHY; Epidermolysis bullosa simplex with muscular dystrophy. Identifiers: Orphanet 257, MedGen C2931072, MONDO:0009181, OMIM 226670.
Epidermolysis bullosa simplex 5C, with pyloric atresia (EBS5C). Also called: PLEC-Related Epidermolysis Bullosa with Pyloric Atresia; Epidermolysis bullosa simplex with pyloric atresia; PLEC1-Related Epidermolysis Bullosa with Pyloric Atresia. Identifiers: Orphanet 158684, MedGen C2677349, MONDO:0012807, OMIM 612138.

Submission:

Labcorp Genetics (formerly Invitae), Labcorp
Classification: Uncertain significance for Autosomal recessive limb-girdle muscular dystrophy type 2Q; Epidermolysis bullosa simplex, Ogna type; Epidermolysis bullosa simplex with nail dystrophy; Epidermolysis bullosa simplex 5C, with pyloric atresia; Epidermolysis bullosa simplex 5B, with muscular dystrophy. Last evaluated: 2025-08-14. Review status: criteria provided, single submitter. Criteria: Invitae Variant Classification Sherloc (09022015). Collection method: clinical testing. Allele origin: germline.
Comment: This sequence change replaces alanine, which is neutral and non-polar, with serine, which is neutral and polar, at codon 1270 of the PLEC protein (p.Ala1270Ser). This variant is not present in population databases (gnomAD no frequency). This variant has not been reported in the literature in individuals affected with PLEC-related conditions. Invitae Evidence Modeling of protein sequence and biophysical properties (such as structural, functional, and spatial information, amino acid conservation, physicochemical variation, residue mobility, and thermodynamic stability) indicates that this missense variant is not expected to disrupt PLEC protein function with a negative predictive value of 80%. In summary, the available evidence is currently insufficient to determine the role of this variant in disease. Therefore, it has been classified as a Variant of Uncertain Significance.